The following is an entry in ClinVar:

NM_018136.5(ASPM):c.3938G>A (p.Arg1313Lys)

Gene: ASPM (assembly factor for spindle microtubules; minus strand). Cytogenetic location: 1q31.3.
Variant type: single nucleotide variant.
Coding change: c.3938G>A on transcript NM_018136.5 (MANE Select); coding-DNA position 3938, G replaced by A.
Protein change: p.Arg1313Lys; replaces arginine 1313 with lysine.
Molecular consequence: missense variant.
Genome position (GRCh38, 1-based): chr1:197,117,916, C>T on the plus strand (G>A on the coding strand, the complement: ASPM is on the minus strand). VCF-style: chr1-197117916-C-T. GRCh37 (hg19) VCF-style: chr1-197087046-C-T.
Other names: c.3938G>A, p.Arg1313Lys (NM_001206846.2); short protein forms R1313K.
Identifiers: ClinVar variation 975503 (VCV000975503.25), dbSNP rs200733896, ClinGen allele CA1310039.

ClinVar aggregate classification (germline): Uncertain significance. Review status: criteria provided, single submitter (1 of 4 stars). 2 submissions from 2 submitters: Uncertain significance (1). 1 of the submissions does not count toward it. Last evaluated 2022-07-01.

Conditions:
Intellectual disability. Also called: Intellectual developmental disorder; intellectual disabilities; Intellectual functioning disability. Identifiers: MedGen C3714756, MeSH D008607, MONDO:0001071, HP:0001249.

Allele frequency attached by ClinVar (database versions not stated): TOPMed 0.00001; gnomAD 0.00002 and 0.00003; gnomAD exomes 0.00002 and 0.00004; ExAC 0.00004; 1000 Genomes Project 30x 0.00031; 1000 Genomes Project 0.00040.
gnomAD v4.1: 36 of 1,613,504 alleles (0.0022%); highest among the groups gnomAD compares: Non-Finnish European, 0.003%; no homozygotes.

Submissions (2):

CeGaT Center for Human Genetics Tuebingen
Classification: Uncertain significance. Last evaluated: 2022-07-01. Review status: criteria provided, single submitter. Criteria: CeGaT Center For Human Genetics Tuebingen Variant Classification Criteria Version 2. Collection method: clinical testing. Allele origin: germline. Affected: yes. Observed: 2 variant alleles.
Comment: ASPM: PM2, BP4

Centre de Biologie Pathologie Génétique, Centre Hospitalier Universitaire de Lille
Classification: Likely benign for Intellectual disability. Last evaluated: 2019-01-01. Review status: no assertion criteria provided. Collection method: clinical testing. Allele origin: inherited. Affected: yes. Not counted in ClinVar's aggregate classification.